The following is an entry in ClinVar:

NM_033004.4(NLRP1):c.1891G>A (p.Ala631Thr)

Gene: NLRP1 (NLR family pyrin domain containing 1; minus strand). Cytogenetic location: 17p13.2.
Variant type: single nucleotide variant.
Coding change: c.1891G>A on transcript NM_033004.4 (MANE Select); coding-DNA position 1891, G replaced by A.
Protein change: p.Ala631Thr; replaces alanine 631 with threonine.
Molecular consequence: missense variant.
Genome position (GRCh38, 1-based): chr17:5,558,805, C>T on the plus strand (G>A on the coding strand, the complement: NLRP1 is on the minus strand). VCF-style: chr17-5558805-C-T. GRCh37 (hg19) VCF-style: chr17-5462125-C-T.
Other names: c.1891G>A, p.Ala631Thr (NM_001033053.3, NM_014922.5, NM_033006.4 and 1 more transcripts); short protein forms A631T.
Identifiers: ClinVar variation 2965249 (VCV002965249.3), dbSNP rs144930253, ClinGen allele CA8327310.

ClinVar aggregate classification (germline): Uncertain significance (1 of 4 stars; one submission).

Allele frequency attached by ClinVar (database versions not stated): TOPMed below 0.00001; gnomAD 0.00001; gnomAD exomes 0.00001; ExAC 0.00002; ESP Exome Variant Server 0.00008.
gnomAD v4.1: 12 of 1,614,034 alleles (0.00074%); highest among the groups gnomAD compares: Non-Finnish European, 0.001%; no homozygotes.

Submission:

Labcorp Genetics (formerly Invitae), Labcorp
Classification: Uncertain significance. Last evaluated: 2022-11-11. Review status: criteria provided, single submitter. Criteria: Invitae Variant Classification Sherloc (09022015). Collection method: clinical testing. Allele origin: germline.
Comment: This sequence change replaces alanine, which is neutral and non-polar, with threonine, which is neutral and polar, at codon 631 of the NLRP1 protein (p.Ala631Thr). This variant is present in population databases (rs144930253, gnomAD 0.004%). This variant has not been reported in the literature in individuals affected with NLRP1-related conditions. Algorithms developed to predict the effect of missense changes on protein structure and function (SIFT, PolyPhen-2, Align-GVGD) all suggest that this variant is likely to be disruptive. In summary, the available evidence is currently insufficient to determine the role of this variant in disease. Therefore, it has been classified as a Variant of Uncertain Significance.